The following is an entry in ClinVar:

NM_004104.5(FASN):c.3674A>G (p.Lys1225Arg)

Gene: FASN (fatty acid synthase; minus strand). Cytogenetic location: 17q25.3.
Variant type: single nucleotide variant.
Coding change: c.3674A>G on transcript NM_004104.5 (MANE Select); coding-DNA position 3674, A replaced by G.
Protein change: p.Lys1225Arg; replaces lysine 1225 with arginine.
Molecular consequence: missense variant.
Genome position (GRCh38, 1-based): chr17:82,086,312, T>C on the plus strand (A>G on the coding strand, the complement: FASN is on the minus strand). VCF-style: chr17-82086312-T-C. GRCh37 (hg19) VCF-style: chr17-80044188-T-C.
Other names: short protein forms K1225R.
Identifiers: ClinVar variation 2147472 (VCV002147472.4), dbSNP rs780937206, ClinGen allele CA8852309.
Genomic context (GRCh38, chr17:82,086,312, plus strand): 5'-ACCTCCACCACCTTCATCTTCAGGCTGGGCATGTTCTCCACGGCAGTGTCCAGGCAGGCC[T>C]TGAGTGCCGGGGAGTCCAGGAGGCCGCTGAGCAGAGGGTCCTCTGGCAGCTTGGGCCTCT-3'
Protein context (NP_004095.4, residues 1215-1235): LSGLLDSPAL[Lys1225Arg]ACLDTAVENM

ClinVar aggregate classification (germline): Uncertain significance (1 of 4 stars; one submission).

Conditions:
Epileptic encephalopathy. Identifiers: MedGen C0543888, HP:0200134.

Allele frequency attached by ClinVar (database versions not stated): TOPMed below 0.00001; gnomAD 0.00001; gnomAD exomes 0.00001; ExAC 0.00003.
gnomAD v4.1: 7 of 1,601,224 alleles (0.00044%); highest among the groups gnomAD compares: Middle Eastern, 0.017%; no homozygotes.

Submission:

Labcorp Genetics (formerly Invitae), Labcorp
Classification: Uncertain significance for Epileptic encephalopathy. Last evaluated: 2022-10-12. Review status: criteria provided, single submitter. Criteria: Invitae Variant Classification Sherloc (09022015). Collection method: clinical testing. Allele origin: germline.
Comment: In summary, the available evidence is currently insufficient to determine the role of this variant in disease. Therefore, it has been classified as a Variant of Uncertain Significance. Algorithms developed to predict the effect of missense changes on protein structure and function output the following: SIFT: "Tolerated"; PolyPhen-2: "Benign"; Align-GVGD: "Class C0". The arginine amino acid residue is found in multiple mammalian species, which suggests that this missense change does not adversely affect protein function. This variant has not been reported in the literature in individuals affected with FASN-related conditions. The frequency data for this variant in the population databases is considered unreliable, as metrics indicate poor data quality at this position in the gnomAD database. This sequence change replaces lysine, which is basic and polar, with arginine, which is basic and polar, at codon 1225 of the FASN protein (p.Lys1225Arg).